The following is an entry in ClinVar:

NM_000414.4(HSD17B4):c.587C>A (p.Ala196Glu)

Gene: HSD17B4 (hydroxysteroid 17-beta dehydrogenase 4; plus strand). Cytogenetic location: 5q23.1.
Variant type: single nucleotide variant.
Coding change: c.587C>A on transcript NM_000414.4 (MANE Select); coding-DNA position 587, C replaced by A.
Protein change: p.Ala196Glu; replaces alanine 196 with glutamic acid.
Molecular consequence: missense variant. On other transcripts: non-coding transcript variant (2).
Genome position (GRCh38, 1-based): chr5:119,478,986, C>A. VCF-style: chr5-119478986-C-A. GRCh37 (hg19) VCF-style: chr5-118814681-C-A.
Other names: c.662C>A, p.Ala221Glu (NM_001199291.3); c.533C>A, p.Ala178Glu (NM_001199292.2); c.515C>A, p.Ala172Glu (NM_001292027.2); c.167C>A, p.Ala56Glu (NM_001292028.2); c.578C>A, p.Ala193Glu (NM_001374497.1); c.587C>A, p.Ala196Glu (NM_001374498.1); c.260C>A, p.Ala87Glu (NM_001374499.1); c.146C>A, p.Ala49Glu (NM_001374500.1); and 1 more; short protein forms A178E, A56E, A59E, A172E, A193E, A221E, A87E, A196E.
Identifiers: ClinVar variation 2937767 (VCV002937767.3), dbSNP rs550705310, ClinGen allele CA360866385.

ClinVar aggregate classification (germline): Likely pathogenic (1 of 4 stars; one submission).

Conditions:
Bifunctional peroxisomal enzyme deficiency (DBIF). Also called: PBFE DEFICIENCY; D-bifunctional protein deficiency; DBP DEFICIENCY. Identifiers: Orphanet 300, MedGen C0342870, MONDO:0009855, OMIM 261515. Disease mechanism: loss of function.
Perrault syndrome. Also called: Gonadal dysgenesis with auditory dysfunction, autosomal recessive inheritance. Identifiers: Orphanet 2855, MedGen C0685838, MONDO:0017312.

gnomAD v4.1: 2 of 1,613,414 alleles (0.00012%); highest among the groups gnomAD compares: African/African-American, 0.0027%; no homozygotes.

Submission:

Labcorp Genetics (formerly Invitae), Labcorp
Classification: Likely pathogenic for Perrault syndrome; Bifunctional peroxisomal enzyme deficiency. Last evaluated: 2025-12-22. Review status: criteria provided, single submitter. Criteria: Invitae Variant Classification Sherloc (09022015). Collection method: clinical testing. Allele origin: germline.
Comment: This sequence change replaces alanine, which is neutral and non-polar, with glutamic acid, which is acidic and polar, at codon 196 of the HSD17B4 protein (p.Ala196Glu). This variant is not present in population databases (gnomAD no frequency). This variant has not been reported in the literature in individuals affected with HSD17B4-related conditions. ClinVar contains an entry for this variant (Variation ID: 2937767). Invitae Evidence Modeling of protein sequence and biophysical properties (such as structural, functional, and spatial information, amino acid conservation, physicochemical variation, residue mobility, and thermodynamic stability) indicates that this missense variant is expected to disrupt HSD17B4 protein function with a positive predictive value of 95%. This variant disrupts the p.Ala196 amino acid residue in HSD17B4. Other variant(s) that disrupt this residue have been determined to be pathogenic (PMID: 24602372). This suggests that this residue is clinically significant, and that variants that disrupt this residue are likely to be disease-causing. In summary, the currently available evidence indicates that the variant is pathogenic, but additional data are needed to prove that conclusively. Therefore, this variant has been classified as Likely Pathogenic.

Literature cited by the submitters: PubMed 24602372.